The following is an entry in ClinVar:

NM_022725.4(FANCF):c.318_319delinsCC (p.Ala107Pro)

Gene: FANCF (FA complementation group F; minus strand). Cytogenetic location: 11p14.3.
Variant type: Indel.
Coding change: c.318_319delinsCC on transcript NM_022725.4 (MANE Select); coding-DNA positions 318 to 319, AG replaced by CC.
Protein change: p.Ala107Pro; replaces alanine 107 with proline.
Molecular consequence: missense variant.
Genome position (GRCh38, 1-based): chr11:22,625,492-22,625,493, CT replaced by GG on the plus strand (AG replaced by CC on the coding strand, the reverse complement: FANCF is on the minus strand). VCF-style: chr11-22625492-CT-GG. GRCh37 (hg19) VCF-style: chr11-22647038-CT-GG.
Other names: short protein forms A107P.
Identifiers: ClinVar variation 591962 (VCV000591962.4), dbSNP rs1565055434, ClinGen allele CA891862822.

ClinVar aggregate classification (germline): Uncertain significance. Review status: criteria provided, multiple submitters, no conflicts (2 of 4 stars). 3 submissions from 3 submitters: Uncertain significance (2). 1 of the submissions does not count toward it. Last evaluated 2023-01-10.

Conditions:
Fanconi anemia (FA). Also called: Fanconi's anemia. Identifiers: Orphanet 84, MedGen C0015625, MeSH D005199, MONDO:0019391.
Fanconi anemia complementation group F. Also called: FANCF-Related Fanconi Anemia. Identifiers: Orphanet 84, MedGen C3469526, MONDO:0011325, OMIM 603467.

Submissions (3):

Labcorp Genetics (formerly Invitae), Labcorp
Classification: Uncertain significance for Fanconi anemia. Last evaluated: 2023-01-10. Review status: criteria provided, single submitter. Criteria: Invitae Variant Classification Sherloc (09022015). Collection method: clinical testing. Allele origin: germline.
Comment: In summary, the available evidence is currently insufficient to determine the role of this variant in disease. Therefore, it has been classified as a Variant of Uncertain Significance. Experimental studies and prediction algorithms are not available or were not evaluated, and the functional significance of this variant is currently unknown. ClinVar contains an entry for this variant (Variation ID: 591962). This variant has not been reported in the literature in individuals affected with FANCF-related conditions. Information on the frequency of this variant in the gnomAD database is not available, as this variant may be reported differently in the database. This sequence change replaces alanine, which is neutral and non-polar, with proline, which is neutral and non-polar, at codon 107 of the FANCF protein (p.Ala107Pro).

Fulgent Genetics
Classification: Uncertain significance for Fanconi anemia complementation group F. Last evaluated: 2021-08-09. Review status: criteria provided, single submitter. Criteria: ACMG Guidelines, 2015. Collection method: clinical testing. Allele origin: unknown.

Gharavi Laboratory, Columbia University
Classification: Uncertain significance. Last evaluated: 2018-09-16. Review status: no assertion criteria provided. Criteria: ACMG Guidelines, 2015. Collection method: research. Allele origin: germline. Affected: yes. Not counted in ClinVar's aggregate classification.